The following is an entry in ClinVar:

ClinVar aggregate classification (germline): Pathogenic (1 of 4 stars; one submission).

Conditions:
Ataxia-telangiectasia syndrome (AT). Also called: LOUIS-BAR SYNDROME; Ataxia-telangiectasia, complementation group D; AT, COMPLEMENTATION GROUP C; Ataxia-telangiectasia; Ataxia-telangiectasia, complementation group E; Ataxia telangiectasia (A-T). Identifiers: Orphanet 100, MedGen C0004135, MONDO:0008840, OMIM 208900.

Submission:

Women's Health and Genetics/Laboratory Corporation of America, LabCorp
Classification: Pathogenic for Ataxia-telangiectasia syndrome. Last evaluated: 2025-03-18. Review status: criteria provided, single submitter. Criteria: LabCorp Variant Classification Summary - May 2015. Collection method: clinical testing. Allele origin: germline.
Comment: Variant summary: ATM c.5746_5747delAT (p.Met1916GlufsX13) results in a premature termination codon, predicted to cause a truncation of the encoded protein or absence of the protein due to nonsense mediated decay, which are commonly known mechanisms for disease. The variant was absent in 251096 control chromosomes. To our knowledge, no occurrence of c.5746_5747delAT in individuals affected with Ataxia-Telangiectasia and no experimental evidence demonstrating its impact on protein function have been reported. No submitters have cited clinical-significance assessments for this variant to ClinVar. Based on the evidence outlined above, the variant was classified as pathogenic.

NM_000051.4(ATM):c.5746_5747del (p.Met1916fs)

Gene: ATM (ATM serine/threonine kinase; plus strand). Cytogenetic location: 11q22.3.
Variant type: Deletion.
Coding change: c.5746_5747del on transcript NM_000051.4 (MANE Select); coding-DNA positions 5746 to 5747, 2 bases deleted (AT; older notation c.5746_5747delAT).
Protein change: p.Met1916fs; shifts the reading frame from methionine 1916.
Molecular consequence: frameshift variant.
Genome position (GRCh38, 1-based): chr11:108,307,968-108,307,969, AT deleted. VCF-style (leftmost placement, unchanged base first): chr11-108307967-CAT-C. GRCh37 (hg19) VCF-style: chr11-108178694-CAT-C.
Other names: c.5746_5747del, p.Met1916fs (NM_001351834.2); c.5746_5747delAT (NM_000051.4); short protein forms M1916fs.
Identifiers: ClinVar variation 3895556 (VCV003895556.1).